The following is an entry in ClinVar:

NM_032040.5(CCDC8):c.830G>A (p.Arg277His)

Gene: CCDC8 (coiled-coil domain containing 8; minus strand). Cytogenetic location: 19q13.32.
Variant type: single nucleotide variant.
Coding change: c.830G>A on transcript NM_032040.5 (MANE Select); coding-DNA position 830, G replaced by A.
Protein change: p.Arg277His; replaces arginine 277 with histidine.
Molecular consequence: missense variant.
Genome position (GRCh38, 1-based): chr19:46,411,981, C>T on the plus strand (G>A on the coding strand, the complement: CCDC8 is on the minus strand). VCF-style: chr19-46411981-C-T. GRCh37 (hg19) VCF-style: chr19-46915238-C-T.
Other names: c.830G>A (NM_032040.3); short protein forms R277H.
Identifiers: ClinVar variation 1439387 (VCV001439387.4), dbSNP rs897101889, ClinGen allele CA9528614.
Genomic context (GRCh38, chr19:46,411,981, plus strand): 5'-CCCCCCTGATCAGCCTCGATGTCTGCCCCCTGACCTGTGGGTGCTGTCTGCTCCTTCCTG[C>T]GGCGCCGAAAGGAGGCCCAGTTGATCTTGGGCCTCCATCGCCTAGGGGAAGCCTGGGGCA-3'
Protein context (NP_114429.2, residues 267-287): PKINWASFRR[Arg277His]RKEQTAPTGQ

ClinVar aggregate classification (germline): Uncertain significance. Review status: criteria provided, multiple submitters, no conflicts (2 of 4 stars). 2 submissions from 2 submitters: Uncertain significance (2). Last evaluated 2022-11-01.

Conditions:
Inborn genetic diseases. Identifiers: MedGen C0950123, MeSH D030342.

Allele frequency attached by ClinVar (database versions not stated): TOPMed 0.00009.

Submissions (2):

Labcorp Genetics (formerly Invitae), Labcorp
Classification: Uncertain significance. Last evaluated: 2022-11-01. Review status: criteria provided, single submitter. Criteria: Invitae Variant Classification Sherloc (09022015). Collection method: clinical testing. Allele origin: germline.
Comment: This sequence change replaces arginine, which is basic and polar, with histidine, which is basic and polar, at codon 277 of the CCDC8 protein (p.Arg277His). This variant is present in population databases (no rsID available, gnomAD 0.03%). This variant has not been reported in the literature in individuals affected with CCDC8-related conditions. ClinVar contains an entry for this variant (Variation ID: 1439387). Algorithms developed to predict the effect of missense changes on protein structure and function output the following: SIFT: "Tolerated"; PolyPhen-2: "Benign"; Align-GVGD: "Class C0". The histidine amino acid residue is found in multiple mammalian species, which suggests that this missense change does not adversely affect protein function. In summary, the available evidence is currently insufficient to determine the role of this variant in disease. Therefore, it has been classified as a Variant of Uncertain Significance.

Ambry Genetics
Classification: Uncertain significance for Inborn genetic diseases. Last evaluated: 2021-10-26. Review status: criteria provided, single submitter. Criteria: Ambry Variant Classification Scheme 2023. Collection method: clinical testing. Allele origin: germline.